The following is an entry in ClinVar:

ClinVar aggregate classification (germline): Uncertain significance. Review status: criteria provided, multiple submitters, no conflicts (2 of 4 stars). 2 submissions from 2 submitters: Uncertain significance (2). Last evaluated 2026-06-25.

gnomAD v4.1: 16 of 1,612,038 alleles (0.00099%); highest among the groups gnomAD compares: Non-Finnish European, 0.0012%; no homozygotes.

Submissions (2):

Women's Health and Genetics/Laboratory Corporation of America, LabCorp
Classification: Uncertain significance. Last evaluated: 2026-06-25. Review status: criteria provided, single submitter. Criteria: LabCorp Variant Classification Summary - May 2015. Collection method: clinical testing. Allele origin: germline.
Comment: Variant summary: SHOX c.277+20G>C alters a conserved nucleotide located at a position not widely known to affect splicing. Several computational tools predict a significant impact on normal splicing: Three predict the variant strengthens a cryptic 3' acceptor site. However, these predictions have yet to be confirmed by functional studies. The variant allele was found at a frequency of 4e-06 in 247712 control chromosomes. The available data on variant occurrences in the general population are insufficient to allow any conclusion about variant significance. To our knowledge, no occurrence of c.277+20G>C in individuals affected with SHOX-related conditions and no experimental evidence demonstrating its impact on protein function have been reported. ClinVar contains an entry for this variant (Variation ID: 1807411). Based on the evidence outlined above, the variant was classified as uncertain significance.

Athena Diagnostics
Classification: Uncertain significance. Last evaluated: 2021-08-18. Review status: criteria provided, single submitter. Criteria: Athena Diagnostics Criteria. Collection method: clinical testing. Allele origin: unknown.

NM_000451.4(SHOX):c.277+20G>C

Gene: SHOX (SHOX homeobox; plus strand). Cytogenetic location: Xp22.33.
Variant type: single nucleotide variant.
Coding change: c.277+20G>C on transcript NM_000451.4 (MANE Select); 20 bases into the intron after coding-DNA position 277, G replaced by C.
Molecular consequence: intron variant.
Genome position (GRCh38, 1-based): chrX:631,194, G>C. VCF-style: chrX-631194-G-C. GRCh37 (hg19) VCF-style: chrX-591929-G-C.
Other names: c.277+20G>C (NM_006883.2).
Identifiers: ClinVar variation 1807411 (VCV001807411.4), dbSNP rs767055071, ClinGen allele CA640359941.